The following is an entry in ClinVar:

NM_000053.4(ATP7B):c.1185C>T (p.Ala395=)

Gene: ATP7B (ATPase copper transporting beta; minus strand). Cytogenetic location: 13q14.3.
Variant type: single nucleotide variant.
Coding change: c.1185C>T on transcript NM_000053.4 (MANE Select); coding-DNA position 1185, C replaced by T.
Protein change: p.Ala395=; no amino-acid change (alanine 395 retained).
Molecular consequence: synonymous variant.
Genome position (GRCh38, 1-based): chr13:51,974,035, G>A on the plus strand (C>T on the coding strand, the complement: ATP7B is on the minus strand). VCF-style: chr13-51974035-G-A. GRCh37 (hg19) VCF-style: chr13-52548171-G-A.
Other names: c.1185C>T, p.Ala395= (NM_001005918.3, NM_001330578.2, NM_001330579.2); c.852C>T, p.Ala284= (NM_001243182.2).
Identifiers: ClinVar variation 526666 (VCV000526666.28), dbSNP rs764551529, ClinGen allele CA6989421.

ClinVar aggregate classification (germline): Likely benign. Review status: criteria provided, multiple submitters, no conflicts (2 of 4 stars). 5 submissions from 5 submitters: Likely benign (5). Last evaluated 2026-06-01.

Conditions:
Wilson disease (WND). Also called: Wilson's disease. Identifiers: Orphanet 905, MedGen C0019202, MONDO:0010200, OMIM 277900. Disease mechanism: loss of function.

Allele frequency attached by ClinVar (database versions not stated): gnomAD exomes below 0.00001 and 0.00002; ExAC 0.00001; gnomAD 0.00001; TOPMed 0.00002.
gnomAD v4.1: 7 of 1,614,206 alleles (0.00043%); highest among the groups gnomAD compares: Admixed American, 0.0033%; no homozygotes.

Submissions (5):

CeGaT Center for Human Genetics Tuebingen
Classification: Likely benign. Last evaluated: 2026-06-01. Review status: criteria provided, single submitter. Criteria: CeGaT Center For Human Genetics Tuebingen Variant Classification Criteria Version 2. Collection method: clinical testing. Allele origin: germline. Affected: yes. Observed: 1 variant allele.
Comment: ATP7B: BP4, BP7

Labcorp Genetics (formerly Invitae), Labcorp
Classification: Likely benign for Wilson disease. Last evaluated: 2025-04-24. Review status: criteria provided, single submitter. Criteria: Invitae Variant Classification Sherloc (09022015). Collection method: clinical testing. Allele origin: germline.

Blueprint Genetics
Classification: Likely benign. Last evaluated: 2024-04-09. Review status: criteria provided, single submitter. Criteria: ACMG Guidelines, 2015. Collection method: clinical testing. Allele origin: germline.

All of Us Research Program, National Institutes of Health
Classification: Likely benign for Wilson disease. Last evaluated: 2023-12-13. Review status: criteria provided, single submitter. Criteria: ACMG Guidelines, 2015. Collection method: clinical testing. Allele origin: germline. Inheritance: Autosomal recessive inheritance. Observed: 1 variant allele, 1 heterozygote.
Comment: This study involves interpretation of variants in research participants for the purpose of population health screening. Participant phenotype was not available at the time of variant classification. Additional details can be found in publication PMID: 35346344, PMCID: PMC8962531

Genome-Nilou Lab
Classification: Likely benign for Wilson disease. Last evaluated: 2021-08-10. Review status: criteria provided, single submitter. Criteria: ACMG Guidelines, 2015. Collection method: clinical testing. Allele origin: germline. Affected: no.